The following is an entry in ClinVar:

NM_020928.2(ZSWIM6):c.26C>T (p.Pro9Leu)

Gene: ZSWIM6 (zinc finger SWIM-type containing 6; plus strand). Cytogenetic location: 5q12.1.
Variant type: single nucleotide variant.
Coding change: c.26C>T on transcript NM_020928.2 (MANE Select); coding-DNA position 26, C replaced by T.
Protein change: p.Pro9Leu; replaces proline 9 with leucine.
Molecular consequence: missense variant.
Genome position (GRCh38, 1-based): chr5:61,332,298, C>T. VCF-style: chr5-61332298-C-T. GRCh37 (hg19) VCF-style: chr5-60628125-C-T.
Other names: short protein forms P9L.
Identifiers: ClinVar variation 2573599 (VCV002573599.1), dbSNP rs1219369551, ClinGen allele CA359939832.
Genomic context (GRCh38, chr5:61,332,298, plus strand): 5'-GGCACTTCCGCTGTCGGGTTAGAAGCGGCGCGGTCATGGCGGAGCGCGGACAGCAGCCTC[C>T]TCCCGCGAAACGGCTTTGCTGCCGGCCGGGCGGCGGCGGCGGCGGCGGGGGCAGCAGCGG-3'
Protein context (NP_065979.1, residues 1-19): MAERGQQP[Pro9Leu]PAKRLCCRPG

ClinVar aggregate classification (germline): Uncertain significance (1 of 4 stars; one submission).

Allele frequency attached by ClinVar (database versions not stated): TOPMed below 0.00001; gnomAD 0.00001.

Submission:

Women's Health and Genetics/Laboratory Corporation of America, LabCorp
Classification: Uncertain significance. Last evaluated: 2023-06-01. Review status: criteria provided, single submitter. Criteria: LabCorp Variant Classification Summary - May 2015. Collection method: clinical testing. Allele origin: germline.
Comment: Variant summary: ZSWIM6 c.26C>T (p.Pro9Leu) results in a non-conservative amino acid change in the encoded protein sequence. Three of five in-silico tools predict a damaging effect of the variant on protein function. The variant allele was found at a frequency of 6.7e-06 in 149826 control chromosomes (i.e., 1 heterozygous carrier; gnomAD v3.1.2). The available data on variant occurrences in the general population are insufficient to allow any conclusion about variant significance. To our knowledge, no occurrence of c.26C>T in individuals affected with ZSWIM6-Related Disorders and no experimental evidence demonstrating its impact on protein function have been reported. No clinical diagnostic laboratories have submitted clinical-significance assessments for this variant to ClinVar after 2014. Based on the evidence outlined above, the variant was classified as uncertain significance.